The following is an entry in ClinVar:

ClinVar aggregate classification (germline): Uncertain significance (1 of 4 stars; one submission).

Allele frequency attached by ClinVar (database versions not stated): gnomAD 0.00001; TOPMed 0.00001.
gnomAD v4.1: 1 of 1,613,968 alleles (0.000062%); highest among the groups gnomAD compares: African/African-American, 0.0013%; no homozygotes.

Submission:

Ambry Genetics
Classification: Uncertain significance. Last evaluated: 2022-09-12. Review status: criteria provided, single submitter. Criteria: Ambry Variant Classification Scheme 2023. Collection method: clinical testing. Allele origin: germline.
Comment: The p.V385G variant (also known as c.1154T>G), located in coding exon 7 of the MYLK2 gene, results from a T to G substitution at nucleotide position 1154. The valine at codon 385 is replaced by glycine, an amino acid with dissimilar properties. This amino acid position is conserved. In addition, this alteration is predicted to be tolerated by in silico analysis. Since supporting evidence is limited at this time, the clinical significance of this alteration remains unclear.

NM_033118.4(MYLK2):c.1154T>G (p.Val385Gly)

Gene: MYLK2 (myosin light chain kinase 2; plus strand). Cytogenetic location: 20q11.21.
Variant type: single nucleotide variant.
Coding change: c.1154T>G on transcript NM_033118.4 (MANE Select); coding-DNA position 1154, T replaced by G.
Protein change: p.Val385Gly; replaces valine 385 with glycine.
Molecular consequence: missense variant.
Genome position (GRCh38, 1-based): chr20:31,826,868, T>G. VCF-style: chr20-31826868-T-G. GRCh37 (hg19) VCF-style: chr20-30414671-T-G.
Other names: short protein forms V385G.
Identifiers: ClinVar variation 1734996 (VCV001734996.2), dbSNP rs2062283073, ClinGen allele CA408527226.